The following is an entry in ClinVar:

ClinVar aggregate classification (germline): Uncertain significance (1 of 4 stars; one submission).

Submission:

Labcorp Genetics (formerly Invitae), Labcorp
Classification: Uncertain significance. Last evaluated: 2025-07-01. Review status: criteria provided, single submitter. Criteria: Invitae Variant Classification Sherloc (09022015). Collection method: clinical testing. Allele origin: germline.
Comment: This sequence change replaces alanine, which is neutral and non-polar, with threonine, which is neutral and polar, at codon 267 of the WARS2 protein (p.Ala267Thr). This variant is not present in population databases (gnomAD no frequency). This variant has not been reported in the literature in individuals affected with WARS2-related conditions. An algorithm developed to predict the effect of missense changes on protein structure and function (PolyPhen-2) suggests that this variant is likely to be tolerated. In summary, the available evidence is currently insufficient to determine the role of this variant in disease. Therefore, it has been classified as a Variant of Uncertain Significance.

NM_015836.4(WARS2):c.799G>A (p.Ala267Thr)

Gene: WARS2 (tryptophanyl tRNA synthetase 2, mitochondrial; minus strand). Cytogenetic location: 1p12.
Variant type: single nucleotide variant.
Coding change: c.799G>A on transcript NM_015836.4 (MANE Select); coding-DNA position 799, G replaced by A.
Protein change: p.Ala267Thr; replaces alanine 267 with threonine.
Molecular consequence: missense variant. On other transcripts: 3 prime UTR variant (2).
Genome position (GRCh38, 1-based): chr1:119,033,195, C>T on the plus strand (G>A on the coding strand, the complement: WARS2 is on the minus strand). VCF-style: chr1-119033195-C-T. GRCh37 (hg19) VCF-style: chr1-119575818-C-T.
Other names: c.730G>A, p.Ala244Thr (NM_001378226.1, NM_001378227.1); c.628G>A, p.Ala210Thr (NM_001378228.1); c.541G>A, p.Ala181Thr (NM_001378229.1); c.517G>A, p.Ala173Thr (NM_001378230.1); c.*134G>A (NM_001378231.1); c.*165G>A (NM_201263.2); short protein forms A181T, A244T, A267T, A173T, A210T.
Identifiers: ClinVar variation 4722078 (VCV004722078.1).
Genomic context (GRCh38, chr1:119,033,195, plus strand): 5'-CGGAGAGCCCCGTCACCGCGGCATGCACCGCCACTATGTTGGACACGCCAGCGCGGCCAG[C>T]CGGGTCATAGGTGACCTCCGAGGTGAAGTCTGTCACAGCCTTGCGGAATTTCTGCACTAT-3'
Protein context (NP_056651.1, residues 257-277): DFTSEVTYDP[Ala267Thr]GRAGVSNIVA